The following is an entry in ClinVar:

ClinVar aggregate classification (germline): Uncertain significance (1 of 4 stars; one submission).

gnomAD v4.1: 15 of 1,611,056 alleles (0.00093%); highest among the groups gnomAD compares: Admixed American, 0.0017%; no homozygotes.

Submission:

GeneDx
Classification: Uncertain significance. Last evaluated: 2024-03-19. Review status: criteria provided, single submitter. Criteria: GeneDx Variant Classification Process June 2021. Collection method: clinical testing. Allele origin: germline. Affected: yes.
Comment: Not observed at significant frequency in large population cohorts (gnomAD); In silico analysis supports that this missense variant has a deleterious effect on protein structure/function; Has not been previously published as pathogenic or benign to our knowledge

NM_001364905.1(LRBA):c.6233C>T (p.Pro2078Leu)

Gene: LRBA (LPS responsive beige-like anchor protein; minus strand). Cytogenetic location: 4q31.3.
Variant type: single nucleotide variant.
Coding change: c.6233C>T on transcript NM_001364905.1 (MANE Select); coding-DNA position 6233, C replaced by T.
Protein change: p.Pro2078Leu; replaces proline 2078 with leucine.
Molecular consequence: missense variant.
Genome position (GRCh38, 1-based): chr4:150,588,145, G>A on the plus strand (C>T on the coding strand, the complement: LRBA is on the minus strand). VCF-style: chr4-150588145-G-A. GRCh37 (hg19) VCF-style: chr4-151509297-G-A.
Other names: c.6233C>T, p.Pro2078Leu (NM_001199282.3, NM_001367550.1); c.6266C>T, p.Pro2089Leu (NM_006726.5); short protein forms P2078L, P2089L.
Identifiers: ClinVar variation 3370777 (VCV003370777.1).